The following is an entry in ClinVar:

ClinVar aggregate classification (germline): Conflicting classifications of pathogenicity. Review status: criteria provided, conflicting classifications (1 of 4 stars). 5 submissions from 4 submitters: Uncertain significance (2); Benign (1); Likely benign (1). 1 of the submissions does not count toward it. Last evaluated 2025-10-19.

Conditions:
Gonadotropin-independent familial sexual precocity. Also called: Familial male-limited precocious puberty; TESTOTOXICOSIS, FAMILIAL. Identifiers: Orphanet 3000, MedGen C0342549, MONDO:0008303, OMIM 176410.
Leydig cell agenesis. Also called: HYPERGONADOTROPIC HYPOGONADISM, MALE, DUE TO LHCGR DEFECT; Leydig cell hypoplasia, type 1; LEYDIG CELL HYPOPLASIA WITH MALE PSEUDOHERMAPHRODITISM; LEYDIG CELL HYPOPLASIA, COMPLETE. Identifiers: MedGen C0266432, MONDO:0009384, OMIM 238320.

Allele frequency attached by ClinVar (database versions not stated): 1000 Genomes Project 30x 0.00016; 1000 Genomes Project 0.00020; gnomAD 0.00027 and 0.00028; TOPMed 0.00028; ExAC 0.00037; gnomAD exomes 0.00037 and 0.00063; ESP Exome Variant Server 0.00046.
gnomAD v4.1: 944 of 1,612,990 alleles (0.059%); highest among the groups gnomAD compares: South Asian, 0.11%; 2 homozygotes.

Submissions (5):

Labcorp Genetics (formerly Invitae), Labcorp
Classification: Likely benign. Last evaluated: 2025-10-19. Review status: criteria provided, single submitter. Criteria: Invitae Variant Classification Sherloc (09022015). Collection method: clinical testing. Allele origin: germline.

GeneDx
Classification: Uncertain significance. Last evaluated: 2023-04-04. Review status: criteria provided, single submitter. Criteria: GeneDx Variant Classification Process June 2021. Collection method: clinical testing. Allele origin: germline. Affected: yes.
Comment: In silico analysis supports that this variant does not alter splicing; Has not been previously published as pathogenic or benign to our knowledge

Illumina Laboratory Services, Illumina
Classification: Uncertain significance for Leydig cell agenesis. Last evaluated: 2018-01-13. Review status: criteria provided, single submitter. Criteria: ICSL Variant Classification Criteria 13 December 2019. Collection method: clinical testing. Allele origin: germline.

Illumina Laboratory Services, Illumina
Classification: Benign for Gonadotropin-independent familial sexual precocity. Last evaluated: 2018-01-13. Review status: criteria provided, single submitter. Criteria: ICSL Variant Classification Criteria 13 December 2019. Collection method: clinical testing. Allele origin: germline.
Comment: This variant was observed in the ICSL laboratory as part of a predisposition screen in an ostensibly healthy population. It had not been previously curated by ICSL or reported in the Human Gene Mutation Database (HGMD: prior to June 1st, 2018), and was therefore a candidate for classification through an automated scoring system. Utilizing variant allele frequency, disease prevalence and penetrance estimates, and inheritance mode, an automated score was calculated to assess if this variant is too frequent to cause the disease. Based on the score and internal cut-off values, a variant classified as benign is not then subjected to further curation. The score for this variant resulted in a classification of benign for this disease.

Genetic Services Laboratory, University of Chicago
Classification: Likely benign. Last evaluated: 2022-09-06. Review status: no assertion criteria provided. Collection method: clinical testing. Allele origin: germline. Affected: no. Not counted in ClinVar's aggregate classification.

NM_000233.4(LHCGR):c.561A>G (p.Glu187=)

Genes: STON1-GTF2A1L (STON1-GTF2A1L readthrough; plus strand), LHCGR (luteinizing hormone/choriogonadotropin receptor; minus strand). Cytogenetic location: 2p16.3.
Variant type: single nucleotide variant.
Coding change: c.561A>G on transcript NM_000233.4 (MANE Select); coding-DNA position 561, A replaced by G.
Protein change: p.Glu187=; no amino-acid change (glutamic acid 187 retained).
Molecular consequence: synonymous variant. On other transcripts: intron variant (1).
Genome position (GRCh38, 1-based): chr2:48,714,030, T>C on the plus strand (A>G on the coding strand, the complement: LHCGR is on the minus strand). VCF-style: chr2-48714030-T-C. GRCh37 (hg19) VCF-style: chr2-48941169-T-C.
Other names: c.3441+42350T>C (NM_001198593.2).
Identifiers: ClinVar variation 710261 (VCV000710261.10), dbSNP rs369601921, ClinGen allele CA1653268.